The following is an entry in ClinVar:

NM_001372.4(DNAH9):c.4262G>A (p.Arg1421Gln)

Gene: DNAH9 (dynein axonemal heavy chain 9; plus strand). Cytogenetic location: 17p12.
Variant type: single nucleotide variant.
Coding change: c.4262G>A on transcript NM_001372.4 (MANE Select); coding-DNA position 4262, G replaced by A.
Protein change: p.Arg1421Gln; replaces arginine 1421 with glutamine.
Molecular consequence: missense variant.
Genome position (GRCh38, 1-based): chr17:11,690,084, G>A. VCF-style: chr17-11690084-G-A. GRCh37 (hg19) VCF-style: chr17-11593401-G-A.
Other names: short protein forms R1421Q.
Identifiers: ClinVar variation 2463737 (VCV002463737.5), dbSNP rs148818782, ClinGen allele CA8395635.
Genomic context (GRCh38, chr17:11,690,084, plus strand): 5'-AGGACACCACCCTAGCGCACCTGCTGCAGCTCCAGCTGCACCACTATGAGGATGAGGTCC[G>A]GGGCATTGTGGACAAAGCTGCAAAAGAGATGGGTATGGAGAAAACCTTAAAGGAGCTGCA-3'
Protein context (NP_001363.2, residues 1411-1431): LQLHHYEDEV[Arg1421Gln]GIVDKAAKEM

ClinVar aggregate classification (germline): Uncertain significance. Review status: criteria provided, multiple submitters, no conflicts (2 of 4 stars). 2 submissions from 2 submitters: Uncertain significance (2). Last evaluated 2025-06-27.

Conditions:
Inborn genetic diseases. Identifiers: MedGen C0950123, MeSH D030342.

Allele frequency attached by ClinVar (database versions not stated): gnomAD 0.00003; TOPMed 0.00005; ExAC 0.00010; ESP Exome Variant Server 0.00015.
gnomAD v4.1: 62 of 1,614,054 alleles (0.0038%); highest among the groups gnomAD compares: Middle Eastern, 0.049%; no homozygotes.

Submissions (2):

Labcorp Genetics (formerly Invitae), Labcorp
Classification: Uncertain significance. Last evaluated: 2025-06-27. Review status: criteria provided, single submitter. Criteria: Invitae Variant Classification Sherloc (09022015). Collection method: clinical testing. Allele origin: germline.
Comment: This sequence change replaces arginine, which is basic and polar, with glutamine, which is neutral and polar, at codon 1421 of the DNAH9 protein (p.Arg1421Gln). This variant is present in population databases (rs148818782, gnomAD 0.02%). This variant has not been reported in the literature in individuals affected with DNAH9-related conditions. ClinVar contains an entry for this variant (Variation ID: 2463737). Invitae Evidence Modeling of protein sequence and biophysical properties (such as structural, functional, and spatial information, amino acid conservation, physicochemical variation, residue mobility, and thermodynamic stability) indicates that this missense variant is expected to disrupt DNAH9 protein function with a positive predictive value of 80%. In summary, the available evidence is currently insufficient to determine the role of this variant in disease. Therefore, it has been classified as a Variant of Uncertain Significance.

Ambry Genetics
Classification: Uncertain significance for Inborn genetic diseases. Last evaluated: 2023-03-02. Review status: criteria provided, single submitter. Criteria: Ambry Variant Classification Scheme 2023. Collection method: clinical testing. Allele origin: germline.